The following is an entry in ClinVar:

ClinVar aggregate classification (germline): Pathogenic (1 of 4 stars; one submission).

Conditions:
Developmental and epileptic encephalopathy, 8 (DEE8). Also called: HYPEREKPLEXIA AND EPILEPSY. Identifiers: Orphanet 163985, Orphanet 2076, MedGen C1845102, MONDO:0010375, OMIM 300607.

Submission:

Labcorp Genetics (formerly Invitae), Labcorp
Classification: Pathogenic for Developmental and epileptic encephalopathy, 8. Last evaluated: 2023-04-06. Review status: criteria provided, single submitter. Criteria: Invitae Variant Classification Sherloc (09022015). Collection method: clinical testing. Allele origin: unknown.
Comment: This variant is a gross deletion of the genomic region encompassing exon(s) 8 of the ARHGEF9 gene. This deletion is out-of-frame, and is expected to create a premature termination codon and result in an absent or disrupted protein product. Loss-of-function variants in ARHGEF9 are known to be pathogenic (PMID: 25678704, 26834553, 28589176). For these reasons, this variant has been classified as Pathogenic. This variant has not been reported in the literature in individuals affected with ARHGEF9-related conditions.

Literature cited by the submitters: PubMed 25678704; PubMed 26834553; PubMed 28589176.

NC_000023.10:g.(?_62875354)_(62875637_?)del

Gene: ARHGEF9 (Cdc42 guanine nucleotide exchange factor 9; minus strand). Cytogenetic location: Xq11.1.
Variant type: Deletion.
Identifiers: ClinVar variation 3244596 (VCV003244596.1).